The following is an entry in ClinVar:

NM_001369.3(DNAH5):c.9374-2A>T

Gene: DNAH5 (dynein axonemal heavy chain 5; minus strand). Cytogenetic location: 5p15.2.
Variant type: single nucleotide variant.
Coding change: c.9374-2A>T on transcript NM_001369.3 (MANE Select); the canonical splice acceptor site of the intron before coding-DNA position 9374, A replaced by T.
Molecular consequence: splice acceptor variant.
Genome position (GRCh38, 1-based): chr5:13,770,982, T>A on the plus strand (A>T on the coding strand, the complement: DNAH5 is on the minus strand). VCF-style: chr5-13770982-T-A. GRCh37 (hg19) VCF-style: chr5-13771091-T-A.
Identifiers: ClinVar variation 578638 (VCV000578638.7), dbSNP rs1561215953, ClinGen allele CA359205429.

ClinVar aggregate classification (germline): Pathogenic (1 of 4 stars; one submission).

Conditions:
Primary ciliary dyskinesia. Also called: Ciliary dyskinesia. Identifiers: Orphanet 244, MedGen C0008780, MONDO:0016575, HP:0012265.

gnomAD v4.1: 2 of 1,599,896 alleles (0.00013%); highest among the groups gnomAD compares: Non-Finnish European, 0.00017%; no homozygotes.

Submission:

Labcorp Genetics (formerly Invitae), Labcorp
Classification: Pathogenic for Primary ciliary dyskinesia. Last evaluated: 2021-07-21. Review status: criteria provided, single submitter. Criteria: Invitae Variant Classification Sherloc (09022015). Collection method: clinical testing. Allele origin: germline.
Comment: This sequence change affects an acceptor splice site in intron 55 of the DNAH5 gene. It is expected to disrupt RNA splicing. Variants that disrupt the donor or acceptor splice site typically lead to a loss of protein function (PMID: 16199547), and loss-of-function variants in DNAH5 are known to be pathogenic (PMID: 11788826, 16627867). This variant is not present in population databases (ExAC no frequency). Disruption of this splice site has been observed in individuals with primary ciliary dyskinesia (PMID: 31469207; Invitae). Algorithms developed to predict the effect of sequence changes on RNA splicing suggest that this variant may disrupt the consensus splice site. For these reasons, this variant has been classified as Pathogenic.

Literature cited by the submitters: PubMed 16199547; PubMed 11788826; PubMed 16627867; PubMed 31469207.